The following is an entry in ClinVar:

ClinVar aggregate classification (germline): Uncertain significance (1 of 4 stars; one submission).

Conditions:
Cardiovascular phenotype. Identifiers: MedGen CN230736.

Submission:

Ambry Genetics
Classification: Uncertain significance for Cardiovascular phenotype. Last evaluated: 2020-03-25. Review status: criteria provided, single submitter. Criteria: Ambry Variant Classification Scheme 2023. Collection method: clinical testing. Allele origin: germline.
Comment: The p.S298R variant (also known as c.894C>A), located in coding exon 6 of the KCNQ1 gene, results from a C to A substitution at nucleotide position 894. The serine at codon 298 is replaced by arginine, an amino acid with dissimilar properties. This alteration impacts an amino acid in the extracellular region adjacent to the channel pore. This amino acid position is well conserved in available vertebrate species. In addition, this alteration is predicted to be deleterious by in silico analysis. Since supporting evidence is limited at this time, the clinical significance of this alteration remains unclear.

NM_000218.3(KCNQ1):c.894C>A (p.Ser298Arg)

Gene: KCNQ1 (potassium voltage-gated channel subfamily Q member 1; plus strand). Cytogenetic location: 11p15.5.
Variant type: single nucleotide variant.
Coding change: c.894C>A on transcript NM_000218.3 (MANE Select); coding-DNA position 894, C replaced by A.
Protein change: p.Ser298Arg; replaces serine 298 with arginine.
Molecular consequence: missense variant.
Genome position (GRCh38, 1-based): chr11:2,572,959, C>A. VCF-style: chr11-2572959-C-A. GRCh37 (hg19) VCF-style: chr11-2594189-C-A.
Other names: c.894C>A, p.Ser298Arg (NM_001406836.1); c.624C>A, p.Ser208Arg (NM_001406837.1); c.513C>A, p.Ser171Arg (NM_181798.2); short protein forms S171R, S208R, S298R.
Identifiers: ClinVar variation 1765209 (VCV001765209.2), dbSNP rs1589958565, ClinGen allele CA379131678.
Genomic context (GRCh38, chr11:2,572,959, plus strand): 5'-CTTTGTGTACCTGGCTGAGAAGGACGCGGTGAACGAGTCAGGCCGCGTGGAGTTCGGCAG[C>A]TACGCAGATGCGCTGTGGTGGGGGGTGGTAAGTCGGAAACTTCCAGGCATGGGGACAGGG-3'
Protein context (NP_000209.2, residues 288-308): VNESGRVEFG[Ser298Arg]YADALWWGVV